The following is an entry in ClinVar:

ClinVar aggregate classification (germline): Uncertain significance (1 of 4 stars; one submission).

Allele frequency attached by ClinVar (database versions not stated): ESP Exome Variant Server 0.00008.

Submission:

Labcorp Genetics (formerly Invitae), Labcorp
Classification: Uncertain significance. Last evaluated: 2024-05-12. Review status: criteria provided, single submitter. Criteria: Invitae Variant Classification Sherloc (09022015). Collection method: clinical testing. Allele origin: germline.
Comment: This sequence change replaces threonine, which is neutral and polar, with lysine, which is basic and polar, at codon 459 of the SORL1 protein (p.Thr459Lys). This variant is present in population databases (rs183081520, gnomAD 0.009%). This variant has not been reported in the literature in individuals affected with SORL1-related conditions. ClinVar contains an entry for this variant (Variation ID: 1439421). An algorithm developed to predict the effect of missense changes on protein structure and function (PolyPhen-2) suggests that this variant is likely to be tolerated. In summary, the available evidence is currently insufficient to determine the role of this variant in disease. Therefore, it has been classified as a Variant of Uncertain Significance.

NM_003105.6(SORL1):c.1376C>A (p.Thr459Lys)

Gene: SORL1 (sortilin related receptor 1; plus strand). Cytogenetic location: 11q24.1.
Variant type: single nucleotide variant.
Coding change: c.1376C>A on transcript NM_003105.6 (MANE Select); coding-DNA position 1376, C replaced by A.
Protein change: p.Thr459Lys; replaces threonine 459 with lysine.
Molecular consequence: missense variant.
Genome position (GRCh38, 1-based): chr11:121,520,821, C>A. VCF-style: chr11-121520821-C-A. GRCh37 (hg19) VCF-style: chr11-121391530-C-A.
Other names: short protein forms T459K.
Identifiers: ClinVar variation 1439421 (VCV001439421.8), dbSNP rs183081520, ClinGen allele CA6328600.